The following is an entry in ClinVar:

ClinVar aggregate classification (germline): Benign/Likely benign. Review status: criteria provided, multiple submitters, no conflicts (2 of 4 stars). 4 submissions from 4 submitters: Benign (1); Likely benign (3). Last evaluated 2025-03-13.

Conditions:
Pheochromocytoma. Also called: MAX-Related Hereditary Paraganglioma-Pheochromocytoma Syndrome. Identifiers: Orphanet 29072, MedGen C0031511, MONDO:0008233, OMIM 171300, HP:0002666.
Gastrointestinal stromal tumor. Also called: Gastrointestinal stroma tumor; Gastrointestinal stromal tumor, somatic. Identifiers: Orphanet 44890, MedGen C0238198, MeSH D046152, MONDO:0011719, OMIM 606764, HP:0100723.
Pheochromocytoma/paraganglioma syndrome 4. Also called: SDHB-Related Hereditary Paraganglioma-Pheochromocytoma Syndrome (Paragangliomas 4); SDHB-Related Hereditary Paraganglioma-Pheochromocytoma Syndrome; CAROTID BODY TUMORS AND MULTIPLE EXTRAADRENAL PHEOCHROMOCYTOMAS; PARAGANGLIOMA, FAMILIAL MALIGNANT; PARAGANGLIOMAS, HEREDITARY EXTRAADRENAL; PHEOCHROMOCYTOMA, FAMILIAL EXTRAADRENAL. Identifiers: Orphanet 29072, MedGen C1861848, MONDO:0007273, OMIM 115310.
Hereditary cancer-predisposing syndrome. Also called: Neoplastic Syndromes, Hereditary; Hereditary Cancer Syndrome; Hereditary neoplastic syndrome; Tumor predisposition. Identifiers: Orphanet 140162, MedGen C0027672, MeSH D009386, MONDO:0015356.
Hereditary pheochromocytoma and paraganglioma. Also called: Hereditary Paraganglioma-Pheochromocytoma Syndromes; Hereditary pheochromocytoma-paraganglioma; Hereditary paragangliomas and pheochromocytomas. Identifiers: Orphanet 29072, MedGen C4274332, MONDO:0017366.

Submissions (4):

Myriad Genetics, Inc.
Classification: Benign for Pheochromocytoma/paraganglioma syndrome 4. Last evaluated: 2025-03-13. Review status: criteria provided, single submitter. Criteria: Myriad Autosomal Dominant, Autosomal Recessive and X-Linked Classification Criteria (2023). Collection method: clinical testing. Allele origin: unknown.
Comment: This variant is considered benign. This variant is a silent/synonymous amino acid change and it is not expected to impact splicing.

All of Us Research Program, National Institutes of Health
Classification: Likely benign for Hereditary pheochromocytoma and paraganglioma. Last evaluated: 2023-11-20. Review status: criteria provided, single submitter. Criteria: ACMG Guidelines, 2015. Collection method: clinical testing. Allele origin: germline. Inheritance: Autosomal dominant inheritance. Observed: 1 variant allele, 1 heterozygote.
Comment: This study involves interpretation of variants in research participants for the purpose of population health screening. Participant phenotype was not available at the time of variant classification. Additional details can be found in publication PMID: 35346344, PMCID: PMC8962531

Labcorp Genetics (formerly Invitae), Labcorp
Classification: Likely benign for Gastrointestinal stromal tumor; Pheochromocytoma/paraganglioma syndrome 4; Pheochromocytoma. Last evaluated: 2021-11-26. Review status: criteria provided, single submitter. Criteria: Invitae Variant Classification Sherloc (09022015). Collection method: clinical testing. Allele origin: germline.

Ambry Genetics
Classification: Likely benign for Hereditary cancer-predisposing syndrome. Last evaluated: 2020-09-21. Review status: criteria provided, single submitter. Criteria: Ambry Variant Classification Scheme 2023. Collection method: clinical testing. Allele origin: germline.

NM_003000.3(SDHB):c.762T>C (p.Pro254=)

Gene: SDHB (succinate dehydrogenase complex iron sulfur subunit B; minus strand). Cytogenetic location: 1p36.13.
Variant type: single nucleotide variant.
Coding change: c.762T>C on transcript NM_003000.3 (MANE Select); coding-DNA position 762, T replaced by C.
Protein change: p.Pro254=; no amino-acid change (proline 254 retained).
Molecular consequence: synonymous variant.
Genome position (GRCh38, 1-based): chr1:17,022,611, A>G on the plus strand (T>C on the coding strand, the complement: SDHB is on the minus strand). VCF-style: chr1-17022611-A-G. GRCh37 (hg19) VCF-style: chr1-17349106-A-G.
Identifiers: ClinVar variation 1097988 (VCV001097988.11), dbSNP rs2101513519, ClinGen allele CA416081680.